The following is an entry in ClinVar:

NM_004370.6(COL12A1):c.1471G>C (p.Glu491Gln)

Gene: COL12A1 (collagen type XII alpha 1 chain; minus strand). Cytogenetic location: 6q13.
Variant type: single nucleotide variant.
Coding change: c.1471G>C on transcript NM_004370.6 (MANE Select); coding-DNA position 1471, G replaced by C.
Protein change: p.Glu491Gln; replaces glutamic acid 491 with glutamine.
Molecular consequence: missense variant. On other transcripts: intron variant (1).
Genome position (GRCh38, 1-based): chr6:75,183,470, C>G on the plus strand (G>C on the coding strand, the complement: COL12A1 is on the minus strand). VCF-style: chr6-75183470-C-G. GRCh37 (hg19) VCF-style: chr6-75893186-C-G.
Other names: p.Glu491Gln; c.73+19250G>C (NM_080645.3); short protein forms E491Q.
Identifiers: ClinVar variation 573923 (VCV000573923.27), dbSNP rs367630003, ClinGen allele CA3894192.

ClinVar aggregate classification (germline): Conflicting classifications of pathogenicity. Review status: criteria provided, conflicting classifications (1 of 4 stars). 6 submissions from 6 submitters: Uncertain significance (5); Likely benign (1). Last evaluated 2026-01-27.

Conditions:
Ullrich congenital muscular dystrophy 2 (UCMD2). Identifiers: Orphanet 75840, MedGen C4225314, MONDO:0014654, OMIM 616470.
Bethlem myopathy 2 (BTHLM2). Identifiers: Orphanet 536516, Orphanet 610, MedGen C4225313, MONDO:0034022, OMIM 616471.

Allele frequency attached by ClinVar (database versions not stated): ExAC 0.00007; gnomAD exomes 0.00007 and 0.00019; gnomAD 0.00014 and 0.00016; ESP Exome Variant Server 0.00017; TOPMed 0.00019.
gnomAD v4.1: 300 of 1,614,062 alleles (0.019%); highest among the groups gnomAD compares: Non-Finnish European, 0.024%; no homozygotes.

Submissions (6):

Labcorp Genetics (formerly Invitae), Labcorp
Classification: Likely benign for Bethlem myopathy 2; Ullrich congenital muscular dystrophy 2. Last evaluated: 2026-01-27. Review status: criteria provided, single submitter. Criteria: Invitae Variant Classification Sherloc (09022015). Collection method: clinical testing. Allele origin: germline.

Women's Health and Genetics/Laboratory Corporation of America, LabCorp
Classification: Uncertain significance. Last evaluated: 2025-11-28. Review status: criteria provided, single submitter. Criteria: LabCorp Variant Classification Summary - May 2015. Collection method: clinical testing. Allele origin: germline.
Comment: Variant summary: COL12A1 c.1471G>C (p.Glu491Gln) results in a conservative amino acid change located in the von Willebrand factor, type A domain (IPR002035) of the encoded protein sequence. Algorithms developed to predict the effect of missense changes on protein structure and function are either unavailable or do not agree on the potential impact of this missense change. The variant allele was found at a frequency of 7.2e-05 in 249078 control chromosomes. This frequency is not significantly higher than estimated for disease-causing variants in COL12A1, allowing no conclusion about variant significance. To our knowledge, no occurrence of c.1471G>C in individuals affected with COL12A1-related conditions and no experimental evidence demonstrating its impact on protein function have been reported. ClinVar contains an entry for this variant (Variation ID: 573923). Based on the evidence outlined above, the variant was classified as uncertain significance.

Mayo Clinic Laboratories, Mayo Clinic
Classification: Uncertain significance. Last evaluated: 2025-03-18. Review status: criteria provided, single submitter. Criteria: ACMG Guidelines, 2015. Collection method: clinical testing. Allele origin: germline. Observed: 1 variant allele.

GeneDx
Classification: Uncertain significance. Last evaluated: 2024-12-31. Review status: criteria provided, single submitter. Criteria: GeneDx Variant Classification Process June 2021. Collection method: clinical testing. Allele origin: germline. Affected: yes.
Comment: Has not been previously published as pathogenic or benign to our knowledge; In silico analysis indicates that this missense variant does not alter protein structure/function

Revvity Omics, Revvity
Classification: Uncertain significance. Last evaluated: 2024-11-14. Review status: criteria provided, single submitter. Criteria: ACMG Guidelines, 2015. Collection method: clinical testing. Allele origin: germline.

Blueprint Genetics
Classification: Uncertain significance. Last evaluated: 2023-01-11. Review status: criteria provided, single submitter. Criteria: ACMG Guidelines, 2015. Collection method: clinical testing. Allele origin: germline.